The following is an entry in ClinVar:

NM_002180.3(IGHMBP2):c.641G>C (p.Gly214Ala)

Gene: IGHMBP2 (immunoglobulin mu DNA binding protein 2; plus strand). Cytogenetic location: 11q13.3.
Variant type: single nucleotide variant.
Coding change: c.641G>C on transcript NM_002180.3 (MANE Select); coding-DNA position 641, G replaced by C.
Protein change: p.Gly214Ala; replaces glycine 214 with alanine.
Molecular consequence: missense variant.
Genome position (GRCh38, 1-based): chr11:68,911,533, G>C. VCF-style: chr11-68911533-G-C. GRCh37 (hg19) VCF-style: chr11-68679001-G-C.
Other names: short protein forms G214A.
Identifiers: ClinVar variation 578270 (VCV000578270.9), dbSNP rs1566427330, ClinGen allele CA381643882.

ClinVar aggregate classification (germline): Uncertain significance. Review status: criteria provided, multiple submitters, no conflicts (2 of 4 stars). 2 submissions from 2 submitters: Uncertain significance (2). Last evaluated 2018-02-24.

Conditions:
Charcot-Marie-Tooth disease axonal type 2S. Also called: CHARCOT-MARIE-TOOTH NEUROPATHY, TYPE 2S; CHARCOT-MARIE-TOOTH DISEASE, AXONAL, AUTOSOMAL RECESSIVE, TYPE 2S. Identifiers: Orphanet 443073, MedGen C4015349, MONDO:0014511, OMIM 616155.
Autosomal recessive distal spinal muscular atrophy 1. Also called: SEVERE INFANTILE AXONAL NEUROPATHY WITH RESPIRATORY FAILURE; SPINAL MUSCULAR ATROPHY, DIAPHRAGMATIC; Spinal muscular atrophy with respiratory distress 1; HMN VI; NEURONOPATHY, SEVERE INFANTILE AXONAL, WITH RESPIRATORY FAILURE; NEURONOPATHY, DISTAL HEREDITARY MOTOR, HARDING TYPE VI. Identifiers: Orphanet 98920, MedGen C1858517, MONDO:0011436, OMIM 604320.

Submissions (2):

Labcorp Genetics (formerly Invitae), Labcorp
Classification: Uncertain significance for Autosomal recessive distal spinal muscular atrophy 1; Charcot-Marie-Tooth disease axonal type 2S. Last evaluated: 2018-02-24. Review status: criteria provided, single submitter. Criteria: Invitae Variant Classification Sherloc (09022015). Collection method: clinical testing. Allele origin: germline.
Comment: In summary, the available evidence is currently insufficient to determine the role of this variant in disease. Therefore, it has been classified as a Variant of Uncertain Significance. Algorithms developed to predict the effect of missense changes on protein structure and function do not agree on the potential impact of this missense change (SIFT: "Deleterious"; PolyPhen-2: "Probably Damaging"; Align-GVGD: "Class C0"). This variant has not been reported in the literature in individuals with IGHMBP2-related disease. This variant is not present in population databases (ExAC no frequency). This sequence change replaces glycine with alanine at codon 214 of the IGHMBP2 protein (p.Gly214Ala). The glycine residue is highly conserved and there is a small physicochemical difference between glycine and alanine.

Breakthrough Genomics
Classification: Uncertain significance. Review status: criteria provided, single submitter. Criteria: ACMG Guidelines, 2015. Collection method: not provided. Allele origin: germline. Inheritance: Autosomal recessive inheritance. Affected: yes.